The following is an entry in ClinVar:

NM_000166.6(GJB1):c.811G>T (p.Ala271Ser)

Gene: GJB1 (gap junction protein beta 1; plus strand). Cytogenetic location: Xq13.1.
Variant type: single nucleotide variant.
Coding change: c.811G>T on transcript NM_000166.6 (MANE Select); coding-DNA position 811, G replaced by T.
Protein change: p.Ala271Ser; replaces alanine 271 with serine.
Molecular consequence: missense variant.
Genome position (GRCh38, 1-based): chrX:71,224,518, G>T. VCF-style: chrX-71224518-G-T. GRCh37 (hg19) VCF-style: chrX-70444368-G-T.
Other names: c.811G>T, p.Ala271Ser (NM_001097642.3); short protein forms A271S.
Identifiers: ClinVar variation 2706812 (VCV002706812.3), dbSNP rs756258267, ClinGen allele CA413504242.

ClinVar aggregate classification (germline): Uncertain significance (1 of 4 stars; one submission).

Conditions:
Charcot-Marie-Tooth Neuropathy X. Identifiers: MedGen CN118851.

Submission:

Labcorp Genetics (formerly Invitae), Labcorp
Classification: Uncertain significance for Charcot-Marie-Tooth Neuropathy X. Last evaluated: 2023-12-31. Review status: criteria provided, single submitter. Criteria: Invitae Variant Classification Sherloc (09022015). Collection method: clinical testing. Allele origin: germline.
Comment: This sequence change replaces alanine, which is neutral and non-polar, with serine, which is neutral and polar, at codon 271 of the GJB1 protein (p.Ala271Ser). This variant is not present in population databases (gnomAD no frequency). This variant has not been reported in the literature in individuals affected with GJB1-related conditions. An algorithm developed to predict the effect of missense changes on protein structure and function (PolyPhen-2) suggests that this variant is likely to be tolerated. In summary, the available evidence is currently insufficient to determine the role of this variant in disease. Therefore, it has been classified as a Variant of Uncertain Significance.